The following is an entry in ClinVar:

ClinVar aggregate classification (germline): Uncertain significance. Review status: criteria provided, multiple submitters, no conflicts (2 of 4 stars). 2 submissions from 2 submitters: Uncertain significance (2). Last evaluated 2025-01-18.

Conditions:
Peroxisome biogenesis disorder 5A (Zellweger) (PBD5A). Identifiers: Orphanet 912, MedGen C3553940, MONDO:0013932, OMIM 614866.
Inborn genetic diseases. Identifiers: MedGen C0950123, MeSH D030342.

Submissions (2):

Ambry Genetics
Classification: Uncertain significance for Inborn genetic diseases. Last evaluated: 2025-01-18. Review status: criteria provided, single submitter. Criteria: Ambry Variant Classification Scheme 2023. Collection method: clinical testing. Allele origin: germline.

Labcorp Genetics (formerly Invitae), Labcorp
Classification: Uncertain significance for Peroxisome biogenesis disorder 5A (Zellweger). Last evaluated: 2022-10-17. Review status: criteria provided, single submitter. Criteria: Invitae Variant Classification Sherloc (09022015). Collection method: clinical testing. Allele origin: germline.
Comment: This sequence change replaces glutamic acid, which is acidic and polar, with aspartic acid, which is acidic and polar, at codon 202 of the PEX2 protein (p.Glu202Asp). This variant is not present in population databases (gnomAD no frequency). This variant has not been reported in the literature in individuals affected with PEX2-related conditions. ClinVar contains an entry for this variant (Variation ID: 1368261). Advanced modeling of protein sequence and biophysical properties (such as structural, functional, and spatial information, amino acid conservation, physicochemical variation, residue mobility, and thermodynamic stability) performed at Invitae indicates that this missense variant is not expected to disrupt PEX2 protein function. In summary, the available evidence is currently insufficient to determine the role of this variant in disease. Therefore, it has been classified as a Variant of Uncertain Significance.

NM_000318.3(PEX2):c.606A>T (p.Glu202Asp)

Gene: PEX2 (peroxisomal biogenesis factor 2; minus strand). Cytogenetic location: 8q21.13.
Variant type: single nucleotide variant.
Coding change: c.606A>T on transcript NM_000318.3 (MANE Select); coding-DNA position 606, A replaced by T.
Protein change: p.Glu202Asp; replaces glutamic acid 202 with aspartic acid.
Molecular consequence: missense variant.
Genome position (GRCh38, 1-based): chr8:76,983,573, T>A on the plus strand (A>T on the coding strand, the complement: PEX2 is on the minus strand). VCF-style: chr8-76983573-T-A. GRCh37 (hg19) VCF-style: chr8-77895809-T-A.
Other names: c.606A>T, p.Glu202Asp (NM_001079867.2, NM_001172086.2, NM_001172087.2); c.606A>T (NM_000318.2); short protein forms E202D.
Identifiers: ClinVar variation 1368261 (VCV001368261.4), dbSNP rs376974246, ClinGen allele CA371556971.